The following is an entry in ClinVar:

NM_000553.6(WRN):c.316G>A (p.Glu106Lys)

Gene: WRN (WRN RecQ like helicase; plus strand). Cytogenetic location: 8p12.
Variant type: single nucleotide variant.
Coding change: c.316G>A on transcript NM_000553.6 (MANE Select); coding-DNA position 316, G replaced by A.
Protein change: p.Glu106Lys; replaces glutamic acid 106 with lysine.
Molecular consequence: missense variant.
Genome position (GRCh38, 1-based): chr8:31,064,395, G>A. VCF-style: chr8-31064395-G-A. GRCh37 (hg19) VCF-style: chr8-30921911-G-A.
Other names: short protein forms E106K.
Identifiers: ClinVar variation 1063880 (VCV001063880.1), dbSNP rs1198758450, ClinGen allele CA370914337.
Genomic context (GRCh38, chr8:31,064,395, plus strand): 5'-CCACCATTATACAATAGAGGGAAACTTGGCAAAGTTGCACTAATTCAGTTGTGTGTTTCT[G>A]AGAGCAAATGTTACTTGTTCCACGTTTCTTCCATGTCAGGTTGGTATCTCTACATTTCAT-3'
Protein context (NP_000544.2, residues 96-116): KVALIQLCVS[Glu106Lys]SKCYLFHVSS

ClinVar aggregate classification (germline): Uncertain significance (1 of 4 stars; one submission).

Conditions:
Werner syndrome (WRN). Identifiers: Orphanet 902, MedGen C0043119, MONDO:0010196, OMIM 277700.

Allele frequency attached by ClinVar (database versions not stated): gnomAD exomes below 0.00001; gnomAD 0.00001; TOPMed 0.00001.
gnomAD v4.1: 4 of 1,614,014 alleles (0.00025%); highest among the groups gnomAD compares: Non-Finnish European, 0.00034%; no homozygotes.

Submission:

Labcorp Genetics (formerly Invitae), Labcorp
Classification: Uncertain significance for Werner syndrome. Last evaluated: 2020-07-08. Review status: criteria provided, single submitter. Criteria: Invitae Variant Classification Sherloc (09022015). Collection method: clinical testing. Allele origin: germline.
Comment: This sequence change replaces glutamic acid with lysine at codon 106 of the WRN protein (p.Glu106Lys). The glutamic acid residue is moderately conserved and there is a small physicochemical difference between glutamic acid and lysine. This variant is not present in population databases (ExAC no frequency). This variant has not been reported in the literature in individuals with WRN-related conditions. Algorithms developed to predict the effect of missense changes on protein structure and function are either unavailable or do not agree on the potential impact of this missense change (SIFT: Not Available; PolyPhen-2: Possibly Damaging; Align-GVGD: Not Available). In summary, the available evidence is currently insufficient to determine the role of this variant in disease. Therefore, it has been classified as a Variant of Uncertain Significance.